The following is an entry in ClinVar:

NM_002693.3(POLG):c.2564T>C (p.Val855Ala)

Gene: POLG (DNA polymerase gamma, catalytic subunit; minus strand). Cytogenetic location: 15q26.1.
Variant type: single nucleotide variant.
Coding change: c.2564T>C on transcript NM_002693.3 (MANE Select); coding-DNA position 2564, T replaced by C.
Protein change: p.Val855Ala; replaces valine 855 with alanine.
Molecular consequence: missense variant.
Genome position (GRCh38, 1-based): chr15:89,321,770, A>G on the plus strand (T>C on the coding strand, the complement: POLG is on the minus strand). VCF-style: chr15-89321770-A-G. GRCh37 (hg19) VCF-style: chr15-89865001-A-G.
Other names: c.2564T>C, p.Val855Ala (NM_001126131.2); short protein forms V855A.
Identifiers: ClinVar variation 619420 (VCV000619420.13), dbSNP rs963553787, ClinGen allele CA10602233.
Genomic context (GRCh38, chr15:89,321,770, plus strand): 5'-GGGCCAGAGGTACAGAGGTCACATACCCGGGCATTGCTGGCGGTGAGCCATGTGGGCTCC[A>G]CAGCCCGGCGAGTGATGGTGCCGGCAGTCACCACTTGGGGCAGGATGGCCCCATAGAGGC-3'
Protein context (NP_002684.1, residues 845-865): VTAGTITRRA[Val855Ala]EPTWLTASNA

ClinVar aggregate classification (germline): Conflicting classifications of pathogenicity. Review status: criteria provided, conflicting classifications (1 of 4 stars). 5 submissions from 5 submitters: Pathogenic (2); Likely pathogenic (1); Uncertain significance (2). Last evaluated 2025-12-18.

Conditions:
Progressive sclerosing poliodystrophy (MTDPS4A). Also called: Alpers Syndrome; Mitochondrial DNA depletion syndrome 4A (Alpers type); Mitochondrial DNA Depletion Syndrome 4A; Alpers-Huttenlocher Syndrome (AHS); ALPERS PROGRESSIVE INFANTILE POLIODYSTROPHY; ALPERS DIFFUSE DEGENERATION OF CEREBRAL GRAY MATTER WITH HEPATIC CIRRHOSIS. Identifiers: Orphanet 726, MedGen C0205710, MONDO:0008758, OMIM 203700.
POLG-related disorder. Also called: POLG-Related Spectrum Disorders; POLG-related condition; POLG-Related Disorders. Identifiers: MedGen C4763519.

Allele frequency attached by ClinVar (database versions not stated): gnomAD exomes 0.00001; TOPMed 0.00001.
gnomAD v4.1: 3 of 1,614,130 alleles (0.00019%); highest among the groups gnomAD compares: Middle Eastern, 0.033%; no homozygotes.

Submissions (5):

GeneDx
Classification: Likely pathogenic. Last evaluated: 2025-12-18. Review status: criteria provided, single submitter. Criteria: GeneDx Variant Classification Process June 2021. Collection method: clinical testing. Allele origin: germline.
Comment: Identified in the heterozygous state in a child with muscle weakness and progressive external ophthalmoplegia in published literature (PMID: 18546365); Observed with another POLG variant in a patient with adult-onset bilateral progressive ptosis, progressive external ophthalmoplegia, axonal sensory polyneuropathy, and sensory ataxia (PMID: 23830586); In silico analysis supports that this missense variant has a deleterious effect on protein structure/function; Not observed at significant frequency in large population cohorts (gnomAD); This variant is associated with the following publications: (PMID: 18546365, 23830586, 35641312)

Women's Health and Genetics/Laboratory Corporation of America, LabCorp
Classification: Uncertain significance. Last evaluated: 2025-06-27. Review status: criteria provided, single submitter. Criteria: LabCorp Variant Classification Summary - May 2015. Collection method: clinical testing. Allele origin: germline.
Comment: Variant summary: POLG c.2564T>C (p.Val855Ala) results in a non-conservative amino acid change in the encoded protein sequence. Algorithms developed to predict the effect of missense changes on protein structure and function all suggest that this variant is likely to be disruptive. The variant was absent in 251388 control chromosomes (gnomAD). c.2564T>C has been observed in individuals affected with Mitochondrial DNA Depletion Syndrome - POLG Related (e.g., Wong_2008, Degos_2014, Davis_2022). These data indicate that the variant may be associated with disease. To our knowledge, no experimental evidence demonstrating an impact on protein function has been reported. The following publications have been ascertained in the context of this evaluation (PMID: 23830586, 18546365, 35641312). ClinVar contains an entry for this variant (Variation ID: 619420). Based on the evidence outlined above, the variant was classified as VUS-possibly pathogenic.

Labcorp Genetics (formerly Invitae), Labcorp
Classification: Uncertain significance for Progressive sclerosing poliodystrophy. Last evaluated: 2025-03-15. Review status: criteria provided, single submitter. Criteria: Invitae Variant Classification Sherloc (09022015). Collection method: clinical testing. Allele origin: germline.
Comment: This sequence change replaces valine, which is neutral and non-polar, with alanine, which is neutral and non-polar, at codon 855 of the POLG protein (p.Val855Ala). This variant is not present in population databases (gnomAD no frequency). This missense change has been observed in individual(s) with autosomal recessive POLG-related conditions (PMID: 18546365, 23830586, 35641312). This variant has been reported in individual(s) with autosomal recessive POLG-related conditions (PMID: 18546365); however, the role of the variant in this condition is currently unclear. ClinVar contains an entry for this variant (Variation ID: 619420). Invitae Evidence Modeling of protein sequence and biophysical properties (such as structural, functional, and spatial information, amino acid conservation, physicochemical variation, residue mobility, and thermodynamic stability) indicates that this missense variant is expected to disrupt POLG protein function with a positive predictive value of 95%. This variant disrupts the p.Val855 amino acid residue in POLG. Other variant(s) that disrupt this residue have been observed in individuals with POLG-related conditions (PMID: 21880868), which suggests that this may be a clinically significant amino acid residue. In summary, the available evidence is currently insufficient to determine the role of this variant in disease. Therefore, it has been classified as a Variant of Uncertain Significance.

Blueprint Genetics
Classification: Pathogenic for POLG-related disorders. Last evaluated: 2022-10-05. Review status: criteria provided, single submitter. Criteria: ACMG Guidelines, 2015. Collection method: clinical testing. Allele origin: germline. Affected: yes. Observed: 2 variant alleles.

Wong Mito Lab, Molecular and Human Genetics, Baylor College of Medicine
Classification: Pathogenic for Progressive sclerosing poliodystrophy. Last evaluated: 2018-10-01. Review status: criteria provided, single submitter. Criteria: ACMG Guidelines, 2015. Collection method: clinical testing. Allele origin: germline.
Comment: The NM_002693.2:c.2564T>C (NP_002684.1:p.Val855Ala) [GRCH38: NC_000015.10:g.89321770A>G] variant in POLG gene is interpretated to be a Pathogenic based on ACMG guidelines (PMID: 25741868). This variant meets the following evidence codes reported in the ACMG-guideline. PS1:This variation causes same amino-acid change as an established pathogenic variant. PM1:This variant is in mutational hot spot or a well-studied functional domain without benign variation. PM2:This variant is absent in key population databases. PM3:Detected in trans with a pathogenic variant for Mitochondrial DNA depletion syndrome 4A (Alpers type) which is a recessive disorder. PP1:This variant is co-segregated with Mitochondrial DNA depletion syndrome 4A (Alpers type) in multiple affected family members. PP2:This is a missense variant in POLG with a low rate of benign and high rate of pathogenic missense variations. PP3:Computational evidence/predictors indicate the variant has deleterious effect on POLG structure, function, or protein-protein interaction. PP4:Patient's phenotype or family history is highly specific for POLG. Based on the evidence criteria codes applied, the variant is suggested to be Pathogenic.

Literature cited by the submitters: PubMed 18546365 (cited by Women's Health and Genetics/Laboratory Corporation of America, LabCorp and Labcorp Genetics (formerly Invitae), Labcorp); PubMed 35641312 (cited by Women's Health and Genetics/Laboratory Corporation of America, LabCorp and Labcorp Genetics (formerly Invitae), Labcorp); PubMed 23830586 (cited by Women's Health and Genetics/Laboratory Corporation of America, LabCorp and Labcorp Genetics (formerly Invitae), Labcorp); PubMed 21880868 (cited by Labcorp Genetics (formerly Invitae), Labcorp).